The following is an entry in ClinVar:

ClinVar aggregate classification (germline): Benign/Likely benign. Review status: criteria provided, multiple submitters, no conflicts (2 of 4 stars). 6 submissions from 6 submitters: Benign (4); Likely benign (2). Last evaluated 2026-06-01.

Conditions:
Collagen 6-related myopathy. Identifiers: MedGen CN117976, MONDO:0100225.
Bethlem myopathy 1A. Also called: MYOPATHY, BENIGN CONGENITAL, WITH CONTRACTURES; Bethlem myopathy 1; Bethlem Muscular Dystrophy. Identifiers: Orphanet 610, MedGen CN029274, MONDO:0024530, OMIM 158810.

Allele frequency attached by ClinVar (database versions not stated): gnomAD exomes 0.00030 and 0.00082; ExAC 0.00108; gnomAD 0.00324 and 0.00347; 1000 Genomes Project 0.00339; 1000 Genomes Project 30x 0.00359; TOPMed 0.00394; ESP Exome Variant Server 0.00423.
gnomAD v4.1: 947 of 1,613,206 alleles (0.059%); highest among the groups gnomAD compares: African/African-American, 1.1%; 6 homozygotes.

Submissions (6):

CeGaT Center for Human Genetics Tuebingen
Classification: Likely benign. Last evaluated: 2026-06-01. Review status: criteria provided, single submitter. Criteria: CeGaT Center For Human Genetics Tuebingen Variant Classification Criteria Version 2. Collection method: clinical testing. Allele origin: germline. Affected: yes. Observed: 1 variant allele.
Comment: COL6A2: BP4, BP7, BS1

Labcorp Genetics (formerly Invitae), Labcorp
Classification: Benign for Bethlem myopathy 1A. Last evaluated: 2026-01-13. Review status: criteria provided, single submitter. Criteria: Invitae Variant Classification Sherloc (09022015). Collection method: clinical testing. Allele origin: germline.

GeneDx
Classification: Benign. Last evaluated: 2018-08-10. Review status: criteria provided, single submitter. Criteria: GeneDx Variant Classification Process June 2021. Collection method: clinical testing. Allele origin: germline. Affected: yes.

Illumina Laboratory Services, Illumina
Classification: Benign for Collagen VI-related myopathy. Last evaluated: 2018-01-13. Review status: criteria provided, single submitter. Criteria: ICSL Variant Classification Criteria 13 December 2019. Collection method: clinical testing. Allele origin: germline.
Comment: This variant was observed in the ICSL laboratory as part of a predisposition screen in an ostensibly healthy population. It had not been previously curated by ICSL or reported in the Human Gene Mutation Database (HGMD: prior to June 1st, 2018), and was therefore a candidate for classification through an automated scoring system. Utilizing variant allele frequency, disease prevalence and penetrance estimates, and inheritance mode, an automated score was calculated to assess if this variant is too frequent to cause the disease. Based on the score and internal cut-off values, a variant classified as benign is not then subjected to further curation. The score for this variant resulted in a classification of benign for this disease.

Eurofins Ntd Llc (ga)
Classification: Benign. Last evaluated: 2012-11-16. Review status: criteria provided, single submitter. Criteria: EGL Classification Definitions 2015. Collection method: clinical testing. Allele origin: germline. Observed: 1 variant allele, 1 heterozygote.

PreventionGenetics, part of Exact Sciences
Classification: Likely benign. Review status: criteria provided, single submitter. Criteria: ACMG Guidelines, 2015. Collection method: clinical testing. Allele origin: germline.

NM_001849.4(COL6A2):c.2136C>T (p.Asp712=)

Gene: COL6A2 (collagen type VI alpha 2 chain; plus strand). Cytogenetic location: 21q22.3.
Variant type: single nucleotide variant.
Coding change: c.2136C>T on transcript NM_001849.4 (MANE Select); coding-DNA position 2136, C replaced by T.
Protein change: p.Asp712=; no amino-acid change (aspartic acid 712 retained).
Molecular consequence: synonymous variant.
Genome position (GRCh38, 1-based): chr21:46,125,951, C>T. VCF-style: chr21-46125951-C-T. GRCh37 (hg19) VCF-style: chr21-47545865-C-T.
Other names: c.2136C>T, p.Asp712= (NM_058174.3, NM_058175.3).
Identifiers: ClinVar variation 93933 (VCV000093933.23), dbSNP rs114554195, ClinGen allele CA147462.
Genomic context (GRCh38, chr21:46,125,951, plus strand): 5'-GAACCTCGAGTGGATTGCGGGCGGCACCTGGACACCCTCAGCCCTCAAGTTTGCCTACGA[C>T]CGCCTCATCAAGGAGAGCCGGCGCCAGAAGACACGTGTGTTTGCGGTGGTCATCACGGAC-3'
Protein context (NP_001840.3, residues 702-722): WTPSALKFAY[Asp712=]RLIKESRRQK